The following is an entry in ClinVar:

ClinVar aggregate classification (germline): Conflicting classifications of pathogenicity. Review status: criteria provided, conflicting classifications (1 of 4 stars). 3 submissions from 3 submitters: Uncertain significance (1); Likely benign (2). Last evaluated 2026-03-19.

Conditions:
Hereditary cancer-predisposing syndrome. Also called: Neoplastic Syndromes, Hereditary; Tumor predisposition; Hereditary Cancer Syndrome; Hereditary neoplastic syndrome. Identifiers: Orphanet 140162, MedGen C0027672, MeSH D009386, MONDO:0015356.

Submissions (3):

Ambry Genetics
Classification: Likely benign for Hereditary cancer-predisposing syndrome. Last evaluated: 2026-03-19. Review status: criteria provided, single submitter. Criteria: Ambry Variant Classification Scheme 2023. Collection method: clinical testing. Allele origin: germline.

University of Washington Department of Laboratory Medicine, University of Washington
Classification: Likely benign for Hereditary cancer-predisposing syndrome. Last evaluated: 2023-03-23. Review status: criteria provided, single submitter. Criteria: Dines et al. (Genet Med. 2020). Collection method: curation. Allele origin: germline.
Comment: Missense variant in a coldspot region where missense variants are very unlikely to be pathogenic (PMID:31911673).

BRCA2 exon 11 coldspot. Reclassification based on statistical prior probability.

Color Diagnostics, LLC DBA Color Health
Classification: Uncertain significance for Hereditary cancer-predisposing syndrome. Last evaluated: 2020-12-11. Review status: criteria provided, single submitter. Criteria: ACMG Guidelines, 2015. Collection method: clinical testing. Allele origin: germline.
Comment: This missense variant replaces lysine with arginine at codon 2111 of the BRCA2 protein. Computational prediction suggests that this variant may not impact protein structure and function (internally defined REVEL score threshold <= 0.5, PMID: 27666373). To our knowledge, functional studies have not been reported for this variant. This variant has not been reported in individuals affected with hereditary cancer in the literature. This variant has not been identified in the general population by the Genome Aggregation Database (gnomAD). The available evidence is insufficient to determine the role of this variant in disease conclusively. Therefore, this variant is classified as a Variant of Uncertain Significance.

NM_000059.4(BRCA2):c.6332A>G (p.Lys2111Arg)

Gene: BRCA2 (BRCA2 DNA repair associated; plus strand). Cytogenetic location: 13q13.1.
Variant type: single nucleotide variant.
Coding change: c.6332A>G on transcript NM_000059.4 (MANE Select); coding-DNA position 6332, A replaced by G.
Protein change: p.Lys2111Arg; replaces lysine 2111 with arginine.
Molecular consequence: missense variant.
Genome position (GRCh38, 1-based): chr13:32,340,687, A>G. VCF-style: chr13-32340687-A-G. GRCh37 (hg19) VCF-style: chr13-32914824-A-G.
Other names: short protein forms K2111R.
Identifiers: ClinVar variation 1171067 (VCV001171067.5), dbSNP rs2137526511, ClinGen allele CA387789084.